The following is an entry in ClinVar:

NM_182961.4(SYNE1):c.337G>A (p.Asp113Asn)

Gene: SYNE1 (spectrin repeat containing nuclear envelope protein 1; minus strand). Cytogenetic location: 6q25.2.
Variant type: single nucleotide variant.
Coding change: c.337G>A on transcript NM_182961.4 (MANE Select); coding-DNA position 337, G replaced by A.
Protein change: p.Asp113Asn; replaces aspartic acid 113 with asparagine.
Molecular consequence: missense variant.
Genome position (GRCh38, 1-based): chr6:152,511,076, C>T on the plus strand (G>A on the coding strand, the complement: SYNE1 is on the minus strand). VCF-style: chr6-152511076-C-T. GRCh37 (hg19) VCF-style: chr6-152832211-C-T.
Other names: c.358G>A, p.Asp120Asn (NM_033071.5); c.358G>A (NM_033071.3); short protein forms D113N, D120N.
Identifiers: ClinVar variation 498070 (VCV000498070.11), dbSNP rs990137456, ClinGen allele CA150243945.

ClinVar aggregate classification (germline): Uncertain significance. Review status: criteria provided, multiple submitters, no conflicts (2 of 4 stars). 3 submissions from 3 submitters: Uncertain significance (3). Last evaluated 2026-08-10.

Conditions:
Autosomal recessive ataxia, Beauce type. Also called: ATAXIA, RECESSIVE, OF BEAUCE; SYNE1-Related Autosomal Recessive Cerebellar Ataxia; SYNE1 Deficiency; Spinocerebellar ataxia, autosomal recessive 8. Identifiers: Orphanet 88644, MedGen C1853116, MONDO:0012549, OMIM 610743.
Emery-Dreifuss muscular dystrophy 4, autosomal dominant (EDMD4). Also called: EMERY-DREIFUSS MUSCULAR DYSTROPHY 4 WITH VARIABLE FEATURES. Identifiers: Orphanet 261, MedGen C2751807, MONDO:0013071, OMIM 612998.

Allele frequency attached by ClinVar (database versions not stated): TOPMed 0.00011; gnomAD exomes 0.00002; gnomAD 0.00007.
gnomAD v4.1: 39 of 1,613,710 alleles (0.0024%); highest among the groups gnomAD compares: Admixed American, 0.02%; no homozygotes.

Submissions (3):

GeneDx
Classification: Uncertain significance. Last evaluated: 2026-08-10. Review status: criteria provided, single submitter. Criteria: GeneDx Variant Classification Process June 2021. Collection method: clinical testing. Allele origin: germline.
Comment: In silico analysis supports that this missense variant has a deleterious effect on protein structure/function; Has not been previously published as pathogenic or benign to our knowledge; This variant is associated with the following publications: (PMID: 32579932, 32686686, 27869121)

Labcorp Genetics (formerly Invitae), Labcorp
Classification: Uncertain significance for Emery-Dreifuss muscular dystrophy 4, autosomal dominant; Autosomal recessive ataxia, Beauce type. Last evaluated: 2022-06-05. Review status: criteria provided, single submitter. Criteria: Invitae Variant Classification Sherloc (09022015). Collection method: clinical testing. Allele origin: germline.
Comment: This sequence change replaces aspartic acid, which is acidic and polar, with asparagine, which is neutral and polar, at codon 120 of the SYNE1 protein (p.Asp120Asn). This variant is present in population databases (no rsID available, gnomAD 0.01%). This variant has not been reported in the literature in individuals affected with SYNE1-related conditions. ClinVar contains an entry for this variant (Variation ID: 498070). Algorithms developed to predict the effect of missense changes on protein structure and function are either unavailable or do not agree on the potential impact of this missense change (SIFT: "Deleterious"; PolyPhen-2: "Possibly Damaging"; Align-GVGD: "Class C0"). In summary, the available evidence is currently insufficient to determine the role of this variant in disease. Therefore, it has been classified as a Variant of Uncertain Significance.

Eurofins Ntd Llc (ga)
Classification: Uncertain significance. Last evaluated: 2016-11-17. Review status: criteria provided, single submitter. Criteria: EGL Classification Definitions 2015. Collection method: clinical testing. Allele origin: germline. Observed: 1 variant allele, 1 heterozygote.